The following is an entry in ClinVar:

ClinVar aggregate classification (germline): Uncertain significance. Review status: criteria provided, multiple submitters, no conflicts (2 of 4 stars). 2 submissions from 2 submitters: Uncertain significance (2). Last evaluated 2022-07-12.

Allele frequency attached by ClinVar (database versions not stated): gnomAD exomes below 0.00001; ExAC 0.00001; ESP Exome Variant Server 0.00008; gnomAD 0.00012 and 0.00015; TOPMed 0.00017.

Submissions (2):

Labcorp Genetics (formerly Invitae), Labcorp
Classification: Uncertain significance. Last evaluated: 2022-07-12. Review status: criteria provided, single submitter. Criteria: Invitae Variant Classification Sherloc (09022015). Collection method: clinical testing. Allele origin: germline.
Comment: This sequence change replaces proline, which is neutral and non-polar, with alanine, which is neutral and non-polar, at codon 672 of the FCHO1 protein (p.Pro672Ala). This variant is present in population databases (rs370519532, gnomAD 0.02%). This variant has not been reported in the literature in individuals affected with FCHO1-related conditions. ClinVar contains an entry for this variant (Variation ID: 1449933). Algorithms developed to predict the effect of missense changes on protein structure and function (SIFT, PolyPhen-2, Align-GVGD) all suggest that this variant is likely to be tolerated. In summary, the available evidence is currently insufficient to determine the role of this variant in disease. Therefore, it has been classified as a Variant of Uncertain Significance.

Blueprint Genetics
Classification: Uncertain significance. Last evaluated: 2022-03-04. Review status: criteria provided, single submitter. Criteria: ACMG Guidelines, 2015. Collection method: clinical testing. Allele origin: germline.

NM_015122.3(FCHO1):c.2014C>G (p.Pro672Ala)

Gene: FCHO1 (FCH and mu domain containing endocytic adaptor 1; plus strand). Cytogenetic location: 19p13.11.
Variant type: single nucleotide variant.
Coding change: c.2014C>G on transcript NM_015122.3 (MANE Select); coding-DNA position 2014, C replaced by G.
Protein change: p.Pro672Ala; replaces proline 672 with alanine.
Molecular consequence: missense variant. On other transcripts: non-coding transcript variant (36).
Genome position (GRCh38, 1-based): chr19:17,783,093, C>G. VCF-style: chr19-17783093-C-G. GRCh37 (hg19) VCF-style: chr19-17893902-C-G.
Other names: c.2014C>G, p.Pro672Ala (NM_001161357.2, NM_001161358.2, NM_001384370.1 and 13 more transcripts); c.1864C>G, p.Pro622Ala (NM_001161359.2, NM_001384384.1, NM_001384385.1 and 1 more transcripts); c.1975C>G, p.Pro659Ala (NM_001384388.1, NM_001384389.1, NM_001384405.1); c.1939C>G, p.Pro647Ala (NM_001384390.1); c.1897C>G, p.Pro633Ala (NM_001384392.1, NM_001384393.1, NM_001384394.1 and 1 more transcripts); c.1738C>G, p.Pro580Ala (NM_001384396.1, NM_001384397.1, NM_001384398.1 and 5 more transcripts); c.1693C>G, p.Pro565Ala (NM_001384403.1); c.1588C>G, p.Pro530Ala (NM_001384406.1); and 1 more; short protein forms P530A, P565A, P622A, P672A, P482A, P633A, P647A, P659A.
Identifiers: ClinVar variation 1449933 (VCV001449933.4), dbSNP rs370519532, ClinGen allele CA9300719.